The following is an entry in ClinVar:

ClinVar aggregate classification (germline): Uncertain significance. Review status: criteria provided, multiple submitters, no conflicts (2 of 4 stars). 5 submissions from 5 submitters: Uncertain significance (5). Last evaluated 2025-10-25.

Conditions:
Aortic aneurysm, familial thoracic 4 (AAT4). Also called: AORTIC ANEURYSM/AORTIC DISSECTION AND PATENT DUCTUS ARTERIOSUS. Identifiers: MedGen C1851504, MONDO:0007568, OMIM 132900.
Familial thoracic aortic aneurysm and aortic dissection (TAAD). Also called: Thoracic aortic aneurysms and dissections. Identifiers: Orphanet 91387, MedGen C4707243, MONDO:0019625.

Allele frequency attached by ClinVar (database versions not stated): gnomAD exomes below 0.00001.
gnomAD v4.1: 2 of 1,611,738 alleles (0.00012%); highest among the groups gnomAD compares: Non-Finnish European, 0.00017%; no homozygotes.

Submissions (5):

Ambry Genetics
Classification: Uncertain significance for Familial thoracic aortic aneurysm and aortic dissection. Last evaluated: 2025-10-25. Review status: criteria provided, single submitter. Criteria: Ambry Variant Classification Scheme 2023. Collection method: clinical testing. Allele origin: germline.

Labcorp Genetics (formerly Invitae), Labcorp
Classification: Uncertain significance for Aortic aneurysm, familial thoracic 4. Last evaluated: 2024-05-08. Review status: criteria provided, single submitter. Criteria: Invitae Variant Classification Sherloc (09022015). Collection method: clinical testing. Allele origin: germline.
Comment: This sequence change replaces valine, which is neutral and non-polar, with alanine, which is neutral and non-polar, at codon 1048 of the MYH11 protein (p.Val1048Ala). This variant is not present in population databases (gnomAD no frequency). This variant has not been reported in the literature in individuals affected with MYH11-related conditions. ClinVar contains an entry for this variant (Variation ID: 926159). An algorithm developed to predict the effect of missense changes on protein structure and function (PolyPhen-2) suggests that this variant is likely to be disruptive. In summary, the available evidence is currently insufficient to determine the role of this variant in disease. Therefore, it has been classified as a Variant of Uncertain Significance.

GeneDx
Classification: Uncertain significance. Last evaluated: 2024-03-07. Review status: criteria provided, single submitter. Criteria: GeneDx Variant Classification Process June 2021. Collection method: clinical testing. Allele origin: germline. Affected: yes.
Comment: Not observed at significant frequency in large population cohorts (gnomAD); In silico analysis supports that this missense variant does not alter protein structure/function; Has not been previously published as pathogenic or benign to our knowledge

All of Us Research Program, National Institutes of Health
Classification: Uncertain significance for Familial thoracic aortic aneurysm and aortic dissection. Last evaluated: 2023-11-30. Review status: criteria provided, single submitter. Criteria: ACMG Guidelines, 2015. Collection method: clinical testing. Allele origin: germline. Inheritance: Autosomal dominant inheritance. Observed: 1 variant allele, 1 heterozygote.
Comment: This missense variant replaces valine with alanine at codon 1048 of the MYH11 protein. Computational prediction suggests that this variant may not impact protein structure and function (internally defined REVEL score threshold <= 0.5, PMID: 27666373). Splice site prediction tools suggest that this variant may not impact RNA splicing. To our knowledge, functional studies have not been performed for this variant. This variant has not been reported in individuals affected with cardiovascular disorders in the literature. This variant has not been identified in the general population by the Genome Aggregation Database (gnomAD). The available evidence is insufficient to determine the role of this variant in disease conclusively. Therefore, this variant is classified as a Variant of Uncertain Significance.

This study involves interpretation of variants in research participants for the purpose of population health screening. Participant phenotype was not available at the time of variant classification. Additional details can be found in publication PMID: 35346344, PMCID: PMC8962531

Color Diagnostics, LLC DBA Color Health
Classification: Uncertain significance for Familial thoracic aortic aneurysm and aortic dissection. Last evaluated: 2019-10-21. Review status: criteria provided, single submitter. Criteria: ACMG Guidelines, 2015. Collection method: clinical testing. Allele origin: germline.
Comment: This missense variant replaces valine with alanine at codon 1048 of the MYH11 protein. Computational prediction suggests that this variant may not impact protein structure and function (internally defined REVEL score threshold <= 0.5, PMID: 27666373). Splice site prediction tools suggest that this variant may not impact RNA splicing. To our knowledge, functional studies have not been performed for this variant. This variant has not been reported in individuals affected with cardiovascular disorders in the literature. This variant has not been identified in the general population by the Genome Aggregation Database (gnomAD). The available evidence is insufficient to determine the role of this variant in disease conclusively. Therefore, this variant is classified as a Variant of Uncertain Significance.

NM_002474.3(MYH11):c.3122T>C (p.Val1041Ala)

Gene: MYH11 (myosin heavy chain 11; minus strand). Cytogenetic location: 16p13.11.
Variant type: single nucleotide variant.
Coding change: c.3122T>C on transcript NM_002474.3 (MANE Select); coding-DNA position 3122, T replaced by C.
Protein change: p.Val1041Ala; replaces valine 1041 with alanine.
Molecular consequence: missense variant.
Genome position (GRCh38, 1-based): chr16:15,737,620, A>G on the plus strand (T>C on the coding strand, the complement: MYH11 is on the minus strand). VCF-style: chr16-15737620-A-G. GRCh37 (hg19) VCF-style: chr16-15831477-A-G.
Other names: c.3143T>C, p.Val1048Ala (NM_001040113.2, NM_001040114.2); c.3122T>C, p.Val1041Ala (NM_022844.3); c.3122T>C (NM_002474.2); short protein forms V1048A, V1041A.
Identifiers: ClinVar variation 926159 (VCV000926159.9), dbSNP rs2041159388, ClinGen allele CA394863443.